The following is an entry in ClinVar:

NM_001875.5(CPS1):c.2025C>T (p.Ala675=)

Gene: CPS1 (carbamoyl-phosphate synthase 1; plus strand). Cytogenetic location: 2q34.
Variant type: single nucleotide variant.
Coding change: c.2025C>T on transcript NM_001875.5 (MANE Select); coding-DNA position 2025, C replaced by T.
Protein change: p.Ala675=; no amino-acid change (alanine 675 retained).
Molecular consequence: synonymous variant. On other transcripts: non-coding transcript variant (2).
Genome position (GRCh38, 1-based): chr2:210,606,774, C>T. VCF-style: chr2-210606774-C-T. GRCh37 (hg19) VCF-style: chr2-211471498-C-T.
Other names: c.2025C>T (LRG_336t1); c.2025C>T, p.Ala675= (NM_001122633.3, NM_001369257.1); c.2058C>T, p.Ala686= (NM_001369256.1).
Identifiers: ClinVar variation 382478 (VCV000382478.44), dbSNP rs143913650, ClinGen allele CA2086538.

ClinVar aggregate classification (germline): Conflicting classifications of pathogenicity. Review status: criteria provided, conflicting classifications (1 of 4 stars). 4 submissions from 4 submitters: Uncertain significance (1); Likely benign (3). Last evaluated 2026-01-24.

Conditions:
Congenital hyperammonemia, type I. Also called: Carbamoyl-phosphate synthase I deficiency; Carbamoyl phosphate synthetase I deficiency disease; CPS I DEFICIENCY; Carbamoyl phosphate synthetase 1 deficiency; Hyperammonemia due to carbamoyl phosphate synthetase 1 deficiency; CPS 1 deficiency. Identifiers: Orphanet 147, MedGen C4082171, MONDO:0009376, OMIM 237300.

Allele frequency attached by ClinVar (database versions not stated): 1000 Genomes Project 30x 0.00016; 1000 Genomes Project 0.00020; gnomAD 0.00056 and 0.00058; gnomAD exomes 0.00057; ExAC 0.00059; TOPMed 0.00060; ESP Exome Variant Server 0.00123.
gnomAD v4.1: 1,786 of 1,612,528 alleles (0.11%); highest among the groups gnomAD compares: Non-Finnish European, 0.14%; no homozygotes.

Submissions (4):

Labcorp Genetics (formerly Invitae), Labcorp
Classification: Likely benign for Congenital hyperammonemia, type I. Last evaluated: 2026-01-24. Review status: criteria provided, single submitter. Criteria: Invitae Variant Classification Sherloc (09022015). Collection method: clinical testing. Allele origin: germline.

CeGaT Center for Human Genetics Tuebingen
Classification: Likely benign. Last evaluated: 2023-03-01. Review status: criteria provided, single submitter. Criteria: CeGaT Center For Human Genetics Tuebingen Variant Classification Criteria Version 2. Collection method: clinical testing. Allele origin: germline. Affected: yes. Observed: 1 variant allele.
Comment: CPS1: BP4, BP7

Illumina Laboratory Services, Illumina
Classification: Uncertain significance for Congenital hyperammonemia, type I. Last evaluated: 2018-01-13. Review status: criteria provided, single submitter. Criteria: ICSL Variant Classification Criteria 13 December 2019. Collection method: clinical testing. Allele origin: germline.

GeneDx
Classification: Likely benign. Last evaluated: 2017-04-05. Review status: criteria provided, single submitter. Criteria: GeneDx Variant Classification (06012015). Collection method: clinical testing. Allele origin: germline. Affected: yes.
Comment: This variant is considered likely benign or benign based on one or more of the following criteria: it is a conservative change, it occurs at a poorly conserved position in the protein, it is predicted to be benign by multiple in silico algorithms, and/or has population frequency not consistent with disease.